The following is an entry in ClinVar:

NM_021927.3(GUF1):c.91C>T (p.Arg31Trp)

Genes: GUF1 (GTP binding elongation factor GUF1; plus strand), LOC129992541 (ATAC-STARR-seq lymphoblastoid silent region 15397; plus strand). Cytogenetic location: 4p12.
Variant type: single nucleotide variant.
Coding change: c.91C>T on transcript NM_021927.3 (MANE Select); coding-DNA position 91, C replaced by T.
Protein change: p.Arg31Trp; replaces arginine 31 with tryptophan.
Molecular consequence: missense variant. On other transcripts: 5 prime UTR variant (2).
Genome position (GRCh38, 1-based): chr4:44,678,713, C>T. VCF-style: chr4-44678713-C-T. GRCh37 (hg19) VCF-style: chr4-44680730-C-T.
Other names: c.-878C>T (NM_001345867.2); c.91C>T, p.Arg31Trp (NM_001345868.2); c.-770C>T (NM_001345869.2); c.91C>T (NM_021927.2); short protein forms R31W.
Identifiers: ClinVar variation 1907329 (VCV001907329.6), dbSNP rs766274707, ClinGen allele CA2905180.

ClinVar aggregate classification (germline): Uncertain significance. Review status: criteria provided, multiple submitters, no conflicts (2 of 4 stars). 2 submissions from 2 submitters: Uncertain significance (2). Last evaluated 2025-10-15.

Allele frequency attached by ClinVar (database versions not stated): gnomAD 0.00005.
gnomAD v4.1: 32 of 1,510,430 alleles (0.0021%); highest among the groups gnomAD compares: Non-Finnish European, 0.0028%; no homozygotes.

Submissions (2):

Ambry Genetics
Classification: Uncertain significance. Last evaluated: 2025-10-15. Review status: criteria provided, single submitter. Criteria: Ambry Variant Classification Scheme 2023. Collection method: clinical testing. Allele origin: germline.

Labcorp Genetics (formerly Invitae), Labcorp
Classification: Uncertain significance. Last evaluated: 2025-06-29. Review status: criteria provided, single submitter. Criteria: Invitae Variant Classification Sherloc (09022015). Collection method: clinical testing. Allele origin: germline.
Comment: This sequence change replaces arginine, which is basic and polar, with tryptophan, which is neutral and slightly polar, at codon 31 of the GUF1 protein (p.Arg31Trp). This variant is present in population databases (rs766274707, gnomAD 0.005%). This variant has not been reported in the literature in individuals affected with GUF1-related conditions. ClinVar contains an entry for this variant (Variation ID: 1907329). An algorithm developed to predict the effect of missense changes on protein structure and function (PolyPhen-2) suggests that this variant is likely to be tolerated. In summary, the available evidence is currently insufficient to determine the role of this variant in disease. Therefore, it has been classified as a Variant of Uncertain Significance.